The following is an entry in ClinVar:

ClinVar aggregate classification (germline): Conflicting classifications of pathogenicity. Review status: criteria provided, conflicting classifications (1 of 4 stars). 2 submissions from 2 submitters: Uncertain significance (1); Benign (1). Last evaluated 2024-03-19.

Conditions:
Spastic paraplegia. Identifiers: MedGen C0037772, HP:0001258.

Allele frequency attached by ClinVar (database versions not stated): gnomAD exomes 0.00001; gnomAD 0.00002; TOPMed 0.00002.

Submissions (2):

GeneDx
Classification: Uncertain significance. Last evaluated: 2024-03-19. Review status: criteria provided, single submitter. Criteria: GeneDx Variant Classification Process June 2021. Collection method: clinical testing. Allele origin: germline. Affected: yes.
Comment: In silico analysis, which includes protein predictors and evolutionary conservation, supports a deleterious effect; Has not been previously published as pathogenic or benign to our knowledge; This variant is associated with the following publications: (PMID: 25641508)

Labcorp Genetics (formerly Invitae), Labcorp
Classification: Benign for Spastic paraplegia. Last evaluated: 2023-08-22. Review status: criteria provided, single submitter. Criteria: Invitae Variant Classification Sherloc (09022015). Collection method: clinical testing. Allele origin: germline.

NM_001278116.2(L1CAM):c.202C>T (p.Arg68Cys)

Gene: L1CAM (L1 cell adhesion molecule; minus strand). Cytogenetic location: Xq28.
Variant type: single nucleotide variant.
Coding change: c.202C>T on transcript NM_001278116.2 (MANE Select); coding-DNA position 202, C replaced by T.
Protein change: p.Arg68Cys; replaces arginine 68 with cysteine.
Molecular consequence: missense variant.
Genome position (GRCh38, 1-based): chrX:153,872,350, G>A on the plus strand (C>T on the coding strand, the complement: L1CAM is on the minus strand). VCF-style: chrX-153872350-G-A. GRCh37 (hg19) VCF-style: chrX-153137805-G-A.
Other names: c.202C>T, p.Arg68Cys (NM_000425.5, NM_024003.3); c.187C>T, p.Arg63Cys (NM_001143963.2); short protein forms R63C, R68C.
Identifiers: ClinVar variation 1209543 (VCV001209543.7), dbSNP rs1172761444, ClinGen allele CA415139517.